The following is an entry in ClinVar:

ClinVar aggregate classification (germline): Likely benign. Review status: criteria provided, multiple submitters, no conflicts (2 of 4 stars). 4 submissions from 4 submitters: Likely benign (3). 1 of the submissions does not count toward it. Last evaluated 2023-06-26.

Conditions:
RYR1-related disorder. Also called: RYR1-related disorders; RYR1-related condition. Identifiers: MedGen CN239331.
Malignant hyperthermia, susceptibility to, 1 (MHS1). Also called: RYR1-Related Malignant Hyperthermia Susceptibility; Malignant hyperthermia suceptibility 1; Anesthesia related hyperthermia; Malignant hyperpyrexia; Fulminating hyperpyrexia; Pharmacogenic myopathy. Identifiers: Orphanet 423, MedGen C2930980, MONDO:0007783, OMIM 145600.

Allele frequency attached by ClinVar (database versions not stated): ESP Exome Variant Server 0.00008.
gnomAD v4.1: 7 of 1,601,400 alleles (0.00044%); highest among the groups gnomAD compares: Non-Finnish European, 0.00051%; no homozygotes.

Submissions (4):

All of Us Research Program, National Institutes of Health
Classification: Likely benign for Malignant hyperthermia, susceptibility to, 1. Last evaluated: 2023-06-26. Review status: criteria provided, single submitter. Criteria: ACMG Guidelines, 2015. Collection method: clinical testing. Allele origin: germline. Inheritance: Autosomal dominant inheritance. Observed: 1 variant allele, 1 heterozygote.
Comment: This study involves interpretation of variants in research participants for the purpose of population health screening. Participant phenotype was not available at the time of variant classification. Additional details can be found in publication PMID: 35346344, PMCID: PMC8962531

Color Diagnostics, LLC DBA Color Health
Classification: Likely benign for Malignant hyperthermia, susceptibility to, 1. Last evaluated: 2022-11-06. Review status: criteria provided, single submitter. Criteria: ACMG Guidelines, 2015. Collection method: clinical testing. Allele origin: germline.

Labcorp Genetics (formerly Invitae), Labcorp
Classification: Likely benign for RYR1-related disorder. Last evaluated: 2022-02-11. Review status: criteria provided, single submitter. Criteria: Invitae Variant Classification Sherloc (09022015). Collection method: clinical testing. Allele origin: germline.

RYR1 database
No classification provided. Review status: no classification provided. Collection method: not provided. Allele origin: unknown. Not counted in ClinVar's aggregate classification.

NM_000540.3(RYR1):c.7102C>T (p.Leu2368=)

Gene: RYR1 (ryanodine receptor 1; plus strand). Cytogenetic location: 19q13.2.
Variant type: single nucleotide variant.
Coding change: c.7102C>T on transcript NM_000540.3 (MANE Select); coding-DNA position 7102, C replaced by T.
Protein change: p.Leu2368=; no amino-acid change (leucine 2368 retained).
Molecular consequence: synonymous variant.
Genome position (GRCh38, 1-based): chr19:38,499,709, C>T. VCF-style: chr19-38499709-C-T. GRCh37 (hg19) VCF-style: chr19-38990349-C-T.
Other names: c.7102C>T, p.Leu2368= (NM_001042723.2).
Identifiers: ClinVar variation 133188 (VCV000133188.8), dbSNP rs139498212, ClinGen allele CA024715.